The following is an entry in ClinVar:

ClinVar aggregate classification (germline): Uncertain significance (1 of 4 stars; one submission).

Submission:

Labcorp Genetics (formerly Invitae), Labcorp
Classification: Uncertain significance. Last evaluated: 2022-08-31. Review status: criteria provided, single submitter. Criteria: Invitae Variant Classification Sherloc (09022015). Collection method: clinical testing. Allele origin: germline.
Comment: This sequence change replaces tyrosine, which is neutral and polar, with cysteine, which is neutral and slightly polar, at codon 722 of the DMXL2 protein (p.Tyr722Cys). In summary, the available evidence is currently insufficient to determine the role of this variant in disease. Therefore, it has been classified as a Variant of Uncertain Significance. Algorithms developed to predict the effect of missense changes on protein structure and function are either unavailable or do not agree on the potential impact of this missense change (SIFT: "Tolerated"; PolyPhen-2: "Probably Damaging"; Align-GVGD: "Class C0"). This variant has not been reported in the literature in individuals affected with DMXL2-related conditions. This variant is not present in population databases (gnomAD no frequency).

NM_001378457.1(DMXL2):c.2165A>G (p.Tyr722Cys)

Gene: DMXL2 (Dmx like 2; minus strand). Cytogenetic location: 15q21.2.
Variant type: single nucleotide variant.
Coding change: c.2165A>G on transcript NM_001378457.1 (MANE Select); coding-DNA position 2165, A replaced by G.
Protein change: p.Tyr722Cys; replaces tyrosine 722 with cysteine.
Molecular consequence: missense variant. On other transcripts: non-coding transcript variant (2).
Genome position (GRCh38, 1-based): chr15:51,536,315, T>C on the plus strand (A>G on the coding strand, the complement: DMXL2 is on the minus strand). VCF-style: chr15-51536315-T-C. GRCh37 (hg19) VCF-style: chr15-51828512-T-C.
Other names: c.2165A>G, p.Tyr722Cys (NM_001174116.3, NM_001174117.3, NM_001378458.1 and 6 more transcripts); c.1925A>G, p.Tyr642Cys (NM_001378464.1); short protein forms Y722C, Y642C.
Identifiers: ClinVar variation 2107947 (VCV002107947.4), dbSNP rs2548604738, ClinGen allele CA392442617.